The following is an entry in ClinVar:

ClinVar aggregate classification (germline): Uncertain significance (1 of 4 stars; one submission).

Conditions:
Inborn genetic diseases. Identifiers: MedGen C0950123, MeSH D030342.

Submission:

Ambry Genetics
Classification: Uncertain significance for Inborn genetic diseases. Last evaluated: 2025-02-15. Review status: criteria provided, single submitter. Criteria: Ambry Variant Classification Scheme 2023. Collection method: clinical testing. Allele origin: germline.
Comment: The p.V1203G variant (also known as c.3608T>G), located in coding exon 1 of the SAMD9 gene, results from a T to G substitution at nucleotide position 3608. The valine at codon 1203 is replaced by glycine, an amino acid with dissimilar properties. This amino acid position is conserved. In addition, the in silico prediction for this alteration is inconclusive. Based on the available evidence, the clinical significance of this variant remains unclear.

NM_017654.4(SAMD9):c.3608T>G (p.Val1203Gly)

Gene: SAMD9 (sterile alpha motif domain containing 9; minus strand). Cytogenetic location: 7q21.2.
Variant type: single nucleotide variant.
Coding change: c.3608T>G on transcript NM_017654.4 (MANE Select); coding-DNA position 3608, T replaced by G.
Protein change: p.Val1203Gly; replaces valine 1203 with glycine.
Molecular consequence: missense variant.
Genome position (GRCh38, 1-based): chr7:93,102,490, A>C on the plus strand (T>G on the coding strand, the complement: SAMD9 is on the minus strand). VCF-style: chr7-93102490-A-C. GRCh37 (hg19) VCF-style: chr7-92731803-A-C.
Other names: c.3608T>G, p.Val1203Gly (NM_001193307.2); short protein forms V1203G.
Identifiers: ClinVar variation 3792095 (VCV003792095.1).